The following is an entry in ClinVar:

NM_001572.5(IRF7):c.1356+32T>C

Gene: IRF7 (interferon regulatory factor 7; minus strand). Cytogenetic location: 11p15.5.
Variant type: single nucleotide variant.
Coding change: c.1356+32T>C on transcript NM_001572.5 (MANE Select); 32 bases into the intron after coding-DNA position 1356, T replaced by C.
Molecular consequence: intron variant.
Genome position (GRCh38, 1-based): chr11:612,967, A>G on the plus strand (T>C on the coding strand, the complement: IRF7 is on the minus strand). VCF-style: chr11-612967-A-G. GRCh37 (hg19) VCF-style: chr11-612967-A-G.
Other names: c.1269+32T>C (NM_004029.4); c.1395+32T>C (NM_004031.4).
Identifiers: ClinVar variation 1185463 (VCV001185463.5), dbSNP rs11246213, ClinGen allele CA5783487.

ClinVar aggregate classification (germline): Benign. Review status: criteria provided, multiple submitters, no conflicts (2 of 4 stars). 3 submissions from 3 submitters: Benign (3). Last evaluated 2024-01-24.

Conditions:
Immunodeficiency 39 (IMD39). Identifiers: Orphanet 574918, MedGen C4225358, MONDO:0014597, OMIM 616345.

Allele frequency attached by ClinVar (database versions not stated): ExAC 0.25678; 1000 Genomes Project 0.27596; 1000 Genomes Project 30x 0.28560; gnomAD 0.32574 and 0.33786; TOPMed 0.34547; gnomAD exomes 0.25432; ESP Exome Variant Server 0.37114.
gnomAD v4.1: 434,640 of 1,605,328 alleles (27%); highest among the groups gnomAD compares: African/African-American, 52%; 64,206 homozygotes.

Submissions (3):

Unidad de Genómica Garrahan, Hospital de Pediatría Garrahan
Classification: Benign. Last evaluated: 2024-01-24. Review status: criteria provided, single submitter. Criteria: ACMG Guidelines, 2015. Collection method: clinical testing. Allele origin: germline. Affected: no. Observed: 56 variant alleles.
Comment: This variant is classified as Benign based on local population frequency. This variant was detected in 59% of patients studied by a panel of primary immunodeficiencies. Number of patients: 56. Only high quality variants are reported.

Genome-Nilou Lab
Classification: Benign for Immunodeficiency 39. Last evaluated: 2021-07-14. Review status: criteria provided, single submitter. Criteria: ACMG Guidelines, 2015. Collection method: clinical testing. Allele origin: germline. Affected: no.

Breakthrough Genomics
Classification: Benign. Review status: criteria provided, single submitter. Criteria: ACMG Guidelines, 2015. Collection method: not provided. Allele origin: germline. Inheritance: Autosomal recessive inheritance. Affected: yes.